The following is an entry in ClinVar:

NM_001242896.3(DEPDC5):c.2657T>C (p.Ile886Thr)

Gene: DEPDC5 (DEP domain containing 5, GATOR1 subcomplex subunit; plus strand). Cytogenetic location: 22q12.3.
Variant type: single nucleotide variant.
Coding change: c.2657T>C on transcript NM_001242896.3 (MANE Select); coding-DNA position 2657, T replaced by C.
Protein change: p.Ile886Thr; replaces isoleucine 886 with threonine.
Molecular consequence: missense variant. On other transcripts: non-coding transcript variant (5).
Genome position (GRCh38, 1-based): chr22:31,843,668, T>C. VCF-style: chr22-31843668-T-C. GRCh37 (hg19) VCF-style: chr22-32239654-T-C.
Other names: c.2630T>C, p.Ile877Thr (NM_001136029.4, NM_001369903.1, NM_014662.6); c.2423T>C, p.Ile808Thr (NM_001242897.2, NM_001363854.2, NM_001364319.2); c.2657T>C, p.Ile886Thr (NM_001363852.2, NM_001364318.2, NM_001364320.2); c.2573T>C, p.Ile858Thr (NM_001369901.1, NM_001369902.1); short protein forms I886T, I808T, I858T, I877T.
Identifiers: ClinVar variation 1490193 (VCV001490193.8), dbSNP rs2149008707, ClinGen allele CA411289662.

ClinVar aggregate classification (germline): Uncertain significance (1 of 4 stars; one submission).

Conditions:
Familial focal epilepsy with variable foci (FPEVF). Identifiers: Orphanet 98820, MedGen C1858477, MONDO:0020310.

Submission:

Labcorp Genetics (formerly Invitae), Labcorp
Classification: Uncertain significance for Familial focal epilepsy with variable foci. Last evaluated: 2020-12-02. Review status: criteria provided, single submitter. Criteria: Invitae Variant Classification Sherloc (09022015). Collection method: clinical testing. Allele origin: germline.
Comment: In summary, the available evidence is currently insufficient to determine the role of this variant in disease. Therefore, it has been classified as a Variant of Uncertain Significance. Algorithms developed to predict the effect of missense changes on protein structure and function are either unavailable or do not agree on the potential impact of this missense change (SIFT: "Deleterious"; PolyPhen-2: "Not Available"; Align-GVGD: "Class C0"). This variant has not been reported in the literature in individuals with DEPDC5-related conditions. This variant is not present in population databases (ExAC no frequency). This sequence change replaces isoleucine with threonine at codon 886 of the DEPDC5 protein (p.Ile886Thr). The isoleucine residue is highly conserved and there is a moderate physicochemical difference between isoleucine and threonine.